The following is an entry in ClinVar:

NM_001378120.1(MBD5):c.2254A>G (p.Ile752Val)

Gene: MBD5 (methyl-CpG binding domain protein 5; plus strand). Cytogenetic location: 2q23.1.
Variant type: single nucleotide variant.
Coding change: c.2254A>G on transcript NM_001378120.1 (MANE Select); coding-DNA position 2254, A replaced by G.
Protein change: p.Ile752Val; replaces isoleucine 752 with valine.
Molecular consequence: missense variant.
Genome position (GRCh38, 1-based): chr2:148,470,197, A>G. VCF-style: chr2-148470197-A-G. GRCh37 (hg19) VCF-style: chr2-149227766-A-G.
Other names: c.2254A>G, p.Ile752Val (NM_018328.5); short protein forms I752V.
Identifiers: ClinVar variation 378115 (VCV000378115.96), dbSNP rs147455836, ClinGen allele CA1900112.

ClinVar aggregate classification (germline): Benign/Likely benign. Review status: criteria provided, multiple submitters, no conflicts (2 of 4 stars). 7 submissions from 7 submitters: Benign (3); Likely benign (3). 1 of the submissions does not count toward it. Last evaluated 2026-02-01.

Conditions:
Inborn genetic diseases. Identifiers: MedGen C0950123, MeSH D030342.
MBD5-related disorder. Also called: MBD5-related condition.
Intellectual developmental disorder, autosomal dominant 1. Also called: Intellectual disability, autosomal dominant 1; MBD5 Haploinsufficiency. Identifiers: Orphanet 228402, MedGen C1969562, MONDO:0007974, OMIM 156200.
Intellectual disability. Also called: intellectual disabilities; Intellectual functioning disability; Intellectual developmental disorder. Identifiers: MedGen C3714756, MeSH D008607, MONDO:0001071, HP:0001249.

Allele frequency attached by ClinVar (database versions not stated): gnomAD exomes 0.00038 and 0.00030; TOPMed 0.00039; gnomAD 0.00042 and 0.00040; ESP Exome Variant Server 0.00054; ExAC 0.00035.
gnomAD v4.1: 525 of 1,614,006 alleles (0.033%); highest among the groups gnomAD compares: Middle Eastern, 0.31%; no homozygotes.

Submissions (7):

CeGaT Center for Human Genetics Tuebingen
Classification: Benign. Last evaluated: 2026-02-01. Review status: criteria provided, single submitter. Criteria: CeGaT Center For Human Genetics Tuebingen Variant Classification Criteria Version 2. Collection method: clinical testing. Allele origin: germline. Affected: yes. Observed: 5 variant alleles.
Comment: MBD5: BP4, BS1, BS2

Labcorp Genetics (formerly Invitae), Labcorp
Classification: Benign for Intellectual developmental disorder, autosomal dominant 1. Last evaluated: 2026-01-28. Review status: criteria provided, single submitter. Criteria: Invitae Variant Classification Sherloc (09022015). Collection method: clinical testing. Allele origin: germline.

Blueprint Genetics
Classification: Likely benign. Last evaluated: 2024-11-07. Review status: criteria provided, single submitter. Criteria: ACMG Guidelines, 2015. Collection method: clinical testing. Allele origin: germline.

Ambry Genetics
Classification: Likely benign for Inborn genetic diseases. Last evaluated: 2024-07-08. Review status: criteria provided, single submitter. Criteria: Ambry Variant Classification Scheme 2023. Collection method: clinical testing. Allele origin: germline.

Cambridge Genomics Laboratory, East Genomic Laboratory Hub, NHS Genomic Medicine Service
Classification: Likely benign for Intellectual disability. Last evaluated: 2020-03-20. Review status: criteria provided, single submitter. Criteria: ACGS Best Practice Guidelines for Variant Classification in Rare Disease 2020. Collection method: clinical testing. Allele origin: germline. Affected: yes. Observed: 1 variant allele.

GeneDx
Classification: Benign. Last evaluated: 2019-04-23. Review status: criteria provided, single submitter. Criteria: GeneDx Variant Classification Process June 2021. Collection method: clinical testing. Allele origin: germline. Affected: yes.
Comment: This variant is associated with the following publications: (PMID: 23422940)

PreventionGenetics, part of Exact Sciences
Classification: Likely benign for MBD5-related condition. Last evaluated: 2021-06-09. Review status: no assertion criteria provided. Collection method: clinical testing. Allele origin: germline. Not counted in ClinVar's aggregate classification.
Comment: This variant is classified as likely benign based on ACMG/AMP sequence variant interpretation guidelines (Richards et al. 2015 PMID: 25741868, with internal and published modifications).